The following is an entry in ClinVar:

NM_002907.4(RECQL):c.1516C>G (p.Leu506Val)

Gene: RECQL (RecQ like helicase; minus strand). Cytogenetic location: 12p12.1.
Variant type: single nucleotide variant.
Coding change: c.1516C>G on transcript NM_002907.4 (MANE Select); coding-DNA position 1516, C replaced by G.
Protein change: p.Leu506Val; replaces leucine 506 with valine.
Molecular consequence: missense variant.
Genome position (GRCh38, 1-based): chr12:21,471,579, G>C on the plus strand (C>G on the coding strand, the complement: RECQL is on the minus strand). VCF-style: chr12-21471579-G-C. GRCh37 (hg19) VCF-style: chr12-21624513-G-C.
Other names: c.1516C>G, p.Leu506Val (NM_032941.3); short protein forms L506V.
Identifiers: ClinVar variation 1774317 (VCV001774317.3), dbSNP rs751518659, ClinGen allele CA6478727.

ClinVar aggregate classification (germline): Uncertain significance. Review status: criteria provided, multiple submitters, no conflicts (2 of 4 stars). 2 submissions from 2 submitters: Uncertain significance (2). Last evaluated 2025-03-18.

Allele frequency attached by ClinVar (database versions not stated): ExAC 0.00001.

Submissions (2):

Quest Diagnostics Nichols Institute San Juan Capistrano
Classification: Uncertain significance. Last evaluated: 2025-03-18. Review status: criteria provided, single submitter. Criteria: Quest Diagnostics criteria. Collection method: clinical testing. Allele origin: unknown.
Comment: The RECQL c.1516C>G (p.Leu506Val) variant has not been reported in individuals with RECQL-related conditions in the published literature. The frequency of this variant in the general population (Genome Aggregation Database) is uninformative in the assessment of its pathogenicity. Analysis of this variant using bioinformatics tools for the prediction of the effect of amino acid changes on protein structure and function yielded predictions that this variant is benign. Based on the available information, we are unable to determine the clinical significance of this variant.

Ambry Genetics
Classification: Uncertain significance. Last evaluated: 2022-01-06. Review status: criteria provided, single submitter. Criteria: Ambry Variant Classification Scheme 2023. Collection method: clinical testing. Allele origin: germline.
Comment: The p.L506V variant (also known as c.1516C>G), located in coding exon 12 of the RECQL gene, results from a C to G substitution at nucleotide position 1516. The leucine at codon 506 is replaced by valine, an amino acid with highly similar properties. This amino acid position is not well conserved in available vertebrate species. In addition, this alteration is predicted to be tolerated by in silico analysis. The evidence for this gene-disease relationship is limited; therefore, the clinical significance of this alteration is unclear.